The following is an entry in ClinVar:

ClinVar aggregate classification (germline): Pathogenic/Likely pathogenic. Review status: criteria provided, multiple submitters, no conflicts (2 of 4 stars). 5 submissions from 5 submitters: Pathogenic (2); Likely pathogenic (2). 1 of the submissions does not count toward it. Last evaluated 2026-09-30.

Conditions:
Hematuria, benign familial, 1 (BFH1). Also called: THIN MEMBRANE NEPHROPATHY. Identifiers: MedGen CN376803, MONDO:0007709, OMIM 141200.
Autosomal recessive Alport syndrome (ATS2). Also called: COL4A3-Related Nephropathy; COL4A4 Alport Syndrome and Thin Basement Membrane Nephropathy; Alport syndrome type 2; ALPORT SYNDROME 2, AUTOSOMAL RECESSIVE. Identifiers: Orphanet 63, Orphanet 88919, MedGen C4746745, MONDO:0008762, OMIM 203780.
Alport syndrome. Also called: Hemorrhagic familial nephritis; Hemorrhagic hereditary nephritis; Congenital hereditary hematuria. Identifiers: Orphanet 63, MedGen C1567741, MONDO:0018965.

Allele frequency attached by ClinVar (database versions not stated): gnomAD 0.00001; TOPMed 0.00001.
gnomAD v4.1: 2 of 1,612,834 alleles (0.00012%); highest among the groups gnomAD compares: African/African-American, 0.0027%; no homozygotes.

Submissions (5):

GeneDx
Classification: Pathogenic. Last evaluated: 2026-09-30. Review status: criteria provided, single submitter. Criteria: GeneDx Variant Classification Process June 2021. Collection method: clinical testing. Allele origin: germline.
Comment: Affects a glycine residue in a Gly-X-Y motif in the triple helical region of the COL4A4 gene, where the majority of pathogenic missense variants occur, and is predicted to disrupt normal protein folding and function (HGMD; PMID: 10752524); Not observed at significant frequency in large population cohorts (gnomAD); In silico analysis supports that this missense variant has a deleterious effect on protein structure/function; This variant is associated with the following publications: (PMID: 38471460, 30586318, 38993907, 36938085, 10752524)

Natera, Inc.
Classification: Likely pathogenic for Alport syndrome. Last evaluated: 2025-06-17. Review status: criteria provided, single submitter. Criteria: Natera Variant Classification Schema (03/2026). Collection method: clinical testing. Allele origin: germline.
Comment: The c.2092G>A variant in COL4A4 is a missense variant predicted to cause substitution of glycine to arginine at amino acid 698. This variant is rare in the general population with a frequency below the threshold expected for the associated phenotype(s). This variant has been observed in one or more individuals affected with the associated recessive disease, as either homozygous or compound heterozygous with a second variant (PMID: 30586318, 36938085). This variant is located in a functionally critical region of the protein. Computational prediction algorithms indicate this variant is likely to affect gene or protein function. Given the available evidence, this variant is classified as Likely Pathogenic.

Fulgent Genetics
Classification: Likely pathogenic for Hematuria, benign familial, 1; Autosomal recessive Alport syndrome. Last evaluated: 2024-04-24. Review status: criteria provided, single submitter. Criteria: ACMG Guidelines, 2015. Collection method: clinical testing. Allele origin: germline.

Labcorp Genetics (formerly Invitae), Labcorp
Classification: Pathogenic. Last evaluated: 2023-11-05. Review status: criteria provided, single submitter. Criteria: Invitae Variant Classification Sherloc (09022015). Collection method: clinical testing. Allele origin: germline.
Comment: This sequence change replaces glycine, which is neutral and non-polar, with arginine, which is basic and polar, at codon 698 of the COL4A4 protein (p.Gly698Arg). This variant is not present in population databases (gnomAD no frequency). This missense change has been observed in individuals with clinical features of COL4A4-related conditions (Invitae). ClinVar contains an entry for this variant (Variation ID: 562445). Advanced modeling of protein sequence and biophysical properties (such as structural, functional, and spatial information, amino acid conservation, physicochemical variation, residue mobility, and thermodynamic stability) performed at Invitae indicates that this missense variant is expected to disrupt COL4A4 protein function with a positive predictive value of 95%. For these reasons, this variant has been classified as Pathogenic.

Gharavi Laboratory, Columbia University
Classification: Likely pathogenic. Last evaluated: 2018-09-16. Review status: no assertion criteria provided. Criteria: ACMG Guidelines, 2015. Collection method: research. Allele origin: germline. Affected: yes. Not counted in ClinVar's aggregate classification.

Literature cited by the submitters: PubMed 30586318 (cited by Natera, Inc.); PubMed 36938085 (cited by Natera, Inc.).

NM_000092.5(COL4A4):c.2092G>A (p.Gly698Arg)

Gene: COL4A4 (collagen type IV alpha 4 chain; minus strand). Cytogenetic location: 2q36.3.
Variant type: single nucleotide variant.
Coding change: c.2092G>A on transcript NM_000092.5 (MANE Select); coding-DNA position 2092, G replaced by A.
Protein change: p.Gly698Arg; replaces glycine 698 with arginine.
Molecular consequence: missense variant.
Genome position (GRCh38, 1-based): chr2:227,060,208, C>T on the plus strand (G>A on the coding strand, the complement: COL4A4 is on the minus strand). VCF-style: chr2-227060208-C-T. GRCh37 (hg19) VCF-style: chr2-227924924-C-T.
Other names: short protein forms G698R.
Identifiers: ClinVar variation 562445 (VCV000562445.17), dbSNP rs1241404192, ClinGen allele CA350842405.